The following is an entry in ClinVar:

ClinVar aggregate classification (germline): Uncertain significance (1 of 4 stars; one submission).

Conditions:
Inborn genetic diseases. Identifiers: MedGen C0950123, MeSH D030342.

Submission:

Ambry Genetics
Classification: Uncertain significance for Inborn genetic diseases. Last evaluated: 2024-03-10. Review status: criteria provided, single submitter. Criteria: Ambry Variant Classification Scheme 2023. Collection method: clinical testing. Allele origin: germline.
Comment: The p.I837V variant (also known as c.2509A>G), located in coding exon 17 of the MIB1 gene, results from an A to G substitution at nucleotide position 2509. The isoleucine at codon 837 is replaced by valine, an amino acid with highly similar properties. This amino acid position is conserved. In addition, the in silico prediction for this alteration is inconclusive. Based on the available evidence, the clinical significance of this alteration remains unclear.

NM_020774.4(MIB1):c.2509A>G (p.Ile837Val)

Gene: MIB1 (MIB E3 ubiquitin protein ligase 1; plus strand). Cytogenetic location: 18q11.2.
Variant type: single nucleotide variant.
Coding change: c.2509A>G on transcript NM_020774.4 (MANE Select); coding-DNA position 2509, A replaced by G.
Protein change: p.Ile837Val; replaces isoleucine 837 with valine.
Molecular consequence: missense variant.
Genome position (GRCh38, 1-based): chr18:21,849,311, A>G. VCF-style: chr18-21849311-A-G. GRCh37 (hg19) VCF-style: chr18-19429272-A-G.
Other names: short protein forms I837V.
Identifiers: ClinVar variation 3227419 (VCV003227419.1), dbSNP rs922521145, ClinGen allele CA296938409.
Genomic context (GRCh38, chr18:21,849,311, plus strand): 5'-GAAGAGTGTATGGTGTGCTCAGATATGAAGAGAGATACTCTTTTTGGTCCATGTGGACAT[A>G]TTGCTACCTGTTCTTTATGTTCTCCACGTGTCAAGAAATGCCTCATCTGTAAAGAACAGG-3'
Protein context (NP_065825.1, residues 827-847): RDTLFGPCGH[Ile837Val]ATCSLCSPRV